The following is an entry in ClinVar:

ClinVar aggregate classification (germline): Likely benign. Review status: criteria provided, single submitter (1 of 4 stars). 2 submissions from 2 submitters: Likely benign (1). 1 of the submissions does not count toward it. Last evaluated 2024-06-11.

Conditions:
Rubinstein-Taybi syndrome (RSTS). Identifiers: Orphanet 783, MedGen C0035934, MONDO:0019188.
CREBBP-related disorder. Also called: CREBBP-related disorders; CREBBP-related condition.

Allele frequency attached by ClinVar (database versions not stated): TOPMed below 0.00001; ExAC 0.00001; gnomAD exomes 0.00001; ESP Exome Variant Server 0.00008.

Submissions (2):

Labcorp Genetics (formerly Invitae), Labcorp
Classification: Likely benign for Rubinstein-Taybi syndrome. Last evaluated: 2024-06-11. Review status: criteria provided, single submitter. Criteria: Invitae Variant Classification Sherloc (09022015). Collection method: clinical testing. Allele origin: germline.

PreventionGenetics, part of Exact Sciences
Classification: Likely benign for CREBBP-related condition. Last evaluated: 2023-08-01. Review status: no assertion criteria provided. Collection method: clinical testing. Allele origin: germline. Not counted in ClinVar's aggregate classification.
Comment: This variant is classified as likely benign based on ACMG/AMP sequence variant interpretation guidelines (Richards et al. 2015 PMID: 25741868, with internal and published modifications).

NM_004380.3(CREBBP):c.2178C>T (p.Pro726=)

Gene: CREBBP (CREB binding lysine acetyltransferase; minus strand). Cytogenetic location: 16p13.3.
Variant type: single nucleotide variant.
Coding change: c.2178C>T on transcript NM_004380.3 (MANE Select); coding-DNA position 2178, C replaced by T.
Protein change: p.Pro726=; no amino-acid change (proline 726 retained).
Molecular consequence: synonymous variant.
Genome position (GRCh38, 1-based): chr16:3,774,674, G>A on the plus strand (C>T on the coding strand, the complement: CREBBP is on the minus strand). VCF-style: chr16-3774674-G-A. GRCh37 (hg19) VCF-style: chr16-3824675-G-A.
Other names: c.2064C>T, p.Pro688= (NM_001079846.1).
Identifiers: ClinVar variation 3051688 (VCV003051688.4), dbSNP rs151083156, ClinGen allele CA7870217.